The following is an entry in ClinVar:

ClinVar aggregate classification (germline): Conflicting classifications of pathogenicity. Review status: criteria provided, conflicting classifications (1 of 4 stars). 2 submissions from 2 submitters: Uncertain significance (1); Likely benign (1). Last evaluated 2025-01-15.

Allele frequency attached by ClinVar (database versions not stated): gnomAD exomes 0.00003 and 0.00006; ExAC 0.00008; ESP Exome Variant Server 0.00023; gnomAD 0.00026 and 0.00028; TOPMed 0.00026; 1000 Genomes Project 30x 0.00078; 1000 Genomes Project 0.00100.
gnomAD v4.1: 88 of 1,614,172 alleles (0.0055%); highest among the groups gnomAD compares: African/African-American, 0.097%; no homozygotes.

Submissions (2):

Labcorp Genetics (formerly Invitae), Labcorp
Classification: Uncertain significance. Last evaluated: 2025-01-15. Review status: criteria provided, single submitter. Criteria: Invitae Variant Classification Sherloc (09022015). Collection method: clinical testing. Allele origin: germline.
Comment: This sequence change replaces lysine, which is basic and polar, with arginine, which is basic and polar, at codon 129 of the ADAMTS18 protein (p.Lys129Arg). This variant is present in population databases (rs141745217, gnomAD 0.1%). This variant has not been reported in the literature in individuals affected with ADAMTS18-related conditions. ClinVar contains an entry for this variant (Variation ID: 944470). An algorithm developed to predict the effect of missense changes on protein structure and function outputs the following: PolyPhen-2: "Benign". The arginine amino acid residue is found in multiple mammalian species, which suggests that this missense change does not adversely affect protein function. In summary, the available evidence is currently insufficient to determine the role of this variant in disease. Therefore, it has been classified as a Variant of Uncertain Significance.

Blueprint Genetics
Classification: Likely benign. Last evaluated: 2022-05-20. Review status: criteria provided, single submitter. Criteria: ACMG Guidelines, 2015. Collection method: clinical testing. Allele origin: germline.

NM_199355.4(ADAMTS18):c.386A>G (p.Lys129Arg)

Gene: ADAMTS18 (ADAM metallopeptidase with thrombospondin type 1 motif 18; minus strand). Cytogenetic location: 16q23.1.
Variant type: single nucleotide variant.
Coding change: c.386A>G on transcript NM_199355.4 (MANE Select); coding-DNA position 386, A replaced by G.
Protein change: p.Lys129Arg; replaces lysine 129 with arginine.
Molecular consequence: missense variant. On other transcripts: 5 prime UTR variant (1).
Genome position (GRCh38, 1-based): chr16:77,431,404, T>C on the plus strand (A>G on the coding strand, the complement: ADAMTS18 is on the minus strand). VCF-style: chr16-77431404-T-C. GRCh37 (hg19) VCF-style: chr16-77465301-T-C.
Other names: c.-135A>G (NM_001326358.2); short protein forms K129R.
Identifiers: ClinVar variation 944470 (VCV000944470.8), dbSNP rs141745217, ClinGen allele CA8181693.